The following is an entry in ClinVar:

NM_000257.4(MYH7):c.5169C>T (p.Leu1723=)

Genes: MHRT (myosin heavy chain associated RNA transcript; plus strand), MYH7 (myosin heavy chain 7; minus strand), LOC126861897 (BRD4-independent group 4 enhancer GRCh37_chr14:23884455-23885654; plus strand). Cytogenetic location: 14q11.2.
Variant type: single nucleotide variant.
Coding change: c.5169C>T on transcript NM_000257.4 (MANE Select); coding-DNA position 5169, C replaced by T.
Protein change: p.Leu1723=; no amino-acid change (leucine 1723 retained).
Molecular consequence: synonymous variant. On other transcripts: non-coding transcript variant (1).
Genome position (GRCh38, 1-based): chr14:23,415,495, G>A on the plus strand (C>T on the coding strand, the complement: MYH7 is on the minus strand). VCF-style: chr14-23415495-G-A. GRCh37 (hg19) VCF-style: chr14-23884704-G-A.
Other names: c.5169C>T, p.Leu1723= (NM_001407004.1).
Identifiers: ClinVar variation 4281039 (VCV004281039.8).
Genomic context (GRCh38, chr14:23,415,495, plus strand): 5'-CTCCTCCACTTCAGTCTGGAGCTGGGACAGGTCAGCATCCATCTTCTTCTTCTGGTTGAT[G>A]AGGCTGGTGTTCTGGGTTGGGGGAGGGTTGGGCAGAGCAGGAAAAGCATTGAGCATCTAT-3'
Protein context (NP_000248.2, residues 1713-1733): VQLLHSQNTS[Leu1723=]INQKKKMDAD

ClinVar aggregate classification (germline): Likely benign. Review status: criteria provided, multiple submitters, no conflicts (2 of 4 stars). 3 submissions from 3 submitters: Likely benign (3). Last evaluated 2025-11-21.

Conditions:
Cardiomyopathy (CMYO). Also called: Cardiomyopathies. Identifiers: Orphanet 167848, MedGen C0878544, MONDO:0004994, HP:0001638. Inheritance: Various modes of inheritance.
Hypertrophic cardiomyopathy. Also called: HYPERTROPHIC MYOCARDIOPATHY. Identifiers: Orphanet 217569, MedGen C0007194, MeSH D002312, MONDO:0005045, HP:0001639.

gnomAD v4.1: 5 of 1,614,232 alleles (0.00031%); highest among the groups gnomAD compares: Non-Finnish European, 0.00034%; no homozygotes.

Submissions (3):

Labcorp Genetics (formerly Invitae), Labcorp
Classification: Likely benign for Hypertrophic cardiomyopathy. Last evaluated: 2025-11-21. Review status: criteria provided, single submitter. Criteria: Invitae Variant Classification Sherloc (09022015). Collection method: clinical testing. Allele origin: germline.

Color Diagnostics, LLC DBA Color Health
Classification: Likely benign for Cardiomyopathy. Last evaluated: 2025-11-17. Review status: criteria provided, single submitter. Criteria: ACMG Guidelines, 2015. Collection method: clinical testing. Allele origin: germline.

CeGaT Center for Human Genetics Tuebingen
Classification: Likely benign. Last evaluated: 2025-09-01. Review status: criteria provided, single submitter. Criteria: CeGaT Center For Human Genetics Tuebingen Variant Classification Criteria Version 2. Collection method: clinical testing. Allele origin: germline. Affected: yes. Observed: 1 variant allele.
Comment: MYH7: BP4, BP7